The following is an entry in ClinVar:

ClinVar aggregate classification (germline): Uncertain significance. Review status: criteria provided, multiple submitters, no conflicts (2 of 4 stars). 3 submissions from 3 submitters: Uncertain significance (3). Last evaluated 2026-08-24.

Conditions:
Cardiovascular phenotype. Identifiers: MedGen CN230736.
Brugada syndrome 8 (BRGDA8). Identifiers: Orphanet 130, MedGen C2751083, MONDO:0013148, OMIM 613123.

Allele frequency attached by ClinVar (database versions not stated): TOPMed below 0.00001; ExAC 0.00001; gnomAD exomes below 0.00001.
gnomAD v4.1: 5 of 1,608,522 alleles (0.00031%); highest among the groups gnomAD compares: Non-Finnish European, 0.00042%; no homozygotes.

Submissions (3):

Ambry Genetics
Classification: Uncertain significance for Cardiovascular phenotype. Last evaluated: 2026-08-24. Review status: criteria provided, single submitter. Criteria: Ambry Variant Classification Scheme 2023. Collection method: clinical testing. Allele origin: germline.
Comment: The p.S889F variant (also known as c.2666C>T), located in coding exon 8 of the HCN4 gene, results from a C to T substitution at nucleotide position 2666. The serine at codon 889 is replaced by phenylalanine, an amino acid with highly dissimilar properties. This amino acid position is conserved. In addition, this alteration is predicted to be tolerated by in silico analysis. Based on the available evidence, the clinical significance of this variant remains unclear.

Women's Health and Genetics/Laboratory Corporation of America, LabCorp
Classification: Uncertain significance. Last evaluated: 2024-12-23. Review status: criteria provided, single submitter. Criteria: LabCorp Variant Classification Summary - May 2015. Collection method: clinical testing. Allele origin: germline.
Comment: Variant summary: HCN4 c.2666C>T (p.Ser889Phe) results in a non-conservative amino acid change in the encoded protein sequence. Three of five in-silico tools predict a benign effect of the variant on protein function. The variant allele was found at a frequency of 4.3e-06 in 231688 control chromosomes (gnomAD). The available data on variant occurrences in the general population are insufficient to allow any conclusion about variant significance. To our knowledge, no occurrence of c.2666C>T in individuals affected with Sick Sinus Syndrome 2 and no experimental evidence demonstrating its impact on protein function have been reported. ClinVar contains an entry for this variant (Variation ID: 1384484). Based on the evidence outlined above, the variant was classified as uncertain significance.

Labcorp Genetics (formerly Invitae), Labcorp
Classification: Uncertain significance for Brugada syndrome 8. Last evaluated: 2021-03-11. Review status: criteria provided, single submitter. Criteria: Invitae Variant Classification Sherloc (09022015). Collection method: clinical testing. Allele origin: germline.
Comment: This sequence change replaces serine with phenylalanine at codon 889 of the HCN4 protein (p.Ser889Phe). The serine residue is highly conserved and there is a large physicochemical difference between serine and phenylalanine. This variant is present in population databases (rs752235823, ExAC 0.002%). This variant has not been reported in the literature in individuals with HCN4-related conditions. Advanced modeling of protein sequence and biophysical properties (such as structural, functional, and spatial information, amino acid conservation, physicochemical variation, residue mobility, and thermodynamic stability) performed at Invitae indicates that this missense variant is not expected to disrupt HCN4 protein function. In summary, the available evidence is currently insufficient to determine the role of this variant in disease. Therefore, it has been classified as a Variant of Uncertain Significance.

NM_005477.3(HCN4):c.2666C>T (p.Ser889Phe)

Gene: HCN4 (hyperpolarization activated cyclic nucleotide gated potassium channel 4; minus strand). Cytogenetic location: 15q24.1.
Variant type: single nucleotide variant.
Coding change: c.2666C>T on transcript NM_005477.3 (MANE Select); coding-DNA position 2666, C replaced by T.
Protein change: p.Ser889Phe; replaces serine 889 with phenylalanine.
Molecular consequence: missense variant.
Genome position (GRCh38, 1-based): chr15:73,323,427, G>A on the plus strand (C>T on the coding strand, the complement: HCN4 is on the minus strand). VCF-style: chr15-73323427-G-A. GRCh37 (hg19) VCF-style: chr15-73615768-G-A.
Other names: c.2666C>T (NM_005477.2); short protein forms S889F.
Identifiers: ClinVar variation 1384484 (VCV001384484.10), dbSNP rs752235823, ClinGen allele CA7648976.